The following is an entry in ClinVar:

NM_005591.4(MRE11):c.1207G>A (p.Glu403Lys)

Gene: MRE11 (MRE11 double strand break repair nuclease; minus strand). Cytogenetic location: 11q21.
Variant type: single nucleotide variant.
Coding change: c.1207G>A on transcript NM_005591.4 (MANE Select); coding-DNA position 1207, G replaced by A.
Protein change: p.Glu403Lys; replaces glutamic acid 403 with lysine.
Molecular consequence: missense variant.
Genome position (GRCh38, 1-based): chr11:94,464,131, C>T on the plus strand (G>A on the coding strand, the complement: MRE11 is on the minus strand). VCF-style: chr11-94464131-C-T. GRCh37 (hg19) VCF-style: chr11-94197297-C-T.
Other names: c.1207G>A, p.Glu403Lys (NM_001330347.2, NM_005590.4); short protein forms E403K.
Identifiers: ClinVar variation 1799736 (VCV001799736.7), dbSNP rs1235074095, ClinGen allele CA382372699.

ClinVar aggregate classification (germline): Uncertain significance. Review status: criteria provided, multiple submitters, no conflicts (2 of 4 stars). 2 submissions from 2 submitters: Uncertain significance (2). Last evaluated 2022-06-21.

Conditions:
Ataxia-telangiectasia-like disorder (ATLD). Identifiers: MedGen C1858391, MONDO:0011457.
Hereditary cancer-predisposing syndrome. Also called: Neoplastic Syndromes, Hereditary; Tumor predisposition; Hereditary Cancer Syndrome; Hereditary neoplastic syndrome. Identifiers: Orphanet 140162, MedGen C0027672, MeSH D009386, MONDO:0015356.

Submissions (2):

Ambry Genetics
Classification: Uncertain significance for Hereditary cancer-predisposing syndrome. Last evaluated: 2022-06-21. Review status: criteria provided, single submitter. Criteria: Ambry Variant Classification Scheme 2023. Collection method: clinical testing. Allele origin: germline.
Comment: The p.E403K variant (also known as c.1207G>A), located in coding exon 10 of the MRE11A gene, results from a G to A substitution at nucleotide position 1207. The glutamic acid at codon 403 is replaced by lysine, an amino acid with similar properties. This amino acid position is conserved. In addition, this alteration is predicted to be deleterious by in silico analysis. Since supporting evidence is limited at this time, the clinical significance of this alteration remains unclear.

Labcorp Genetics (formerly Invitae), Labcorp
Classification: Uncertain significance for Ataxia-telangiectasia-like disorder. Last evaluated: 2022-05-25. Review status: criteria provided, single submitter. Criteria: Invitae Variant Classification Sherloc (09022015). Collection method: clinical testing. Allele origin: germline.
Comment: In summary, the available evidence is currently insufficient to determine the role of this variant in disease. Therefore, it has been classified as a Variant of Uncertain Significance. Algorithms developed to predict the effect of missense changes on protein structure and function are either unavailable or do not agree on the potential impact of this missense change (SIFT: "Tolerated"; PolyPhen-2: "Possibly Damaging"; Align-GVGD: "Class C0"). This variant has not been reported in the literature in individuals affected with MRE11-related conditions. The frequency data for this variant in the population databases is considered unreliable, as metrics indicate poor data quality at this position in the gnomAD database. This sequence change replaces glutamic acid, which is acidic and polar, with lysine, which is basic and polar, at codon 403 of the MRE11 protein (p.Glu403Lys).